The following is an entry in ClinVar:

NM_000222.3(KIT):c.2234G>T (p.Gly745Val)

Gene: KIT (KIT proto-oncogene, receptor tyrosine kinase; plus strand). Cytogenetic location: 4q12.
Variant type: single nucleotide variant.
Coding change: c.2234G>T on transcript NM_000222.3 (MANE Select); coding-DNA position 2234, G replaced by T.
Protein change: p.Gly745Val; replaces glycine 745 with valine.
Molecular consequence: missense variant.
Genome position (GRCh38, 1-based): chr4:54,731,871, G>T. VCF-style: chr4-54731871-G-T. GRCh37 (hg19) VCF-style: chr4-55598037-G-T.
Other names: c.2222G>T, p.Gly741Val (NM_001093772.2, NM_001385292.1); c.2237G>T, p.Gly746Val (NM_001385284.1); c.2231G>T, p.Gly744Val (NM_001385285.1); c.2219G>T, p.Gly740Val (NM_001385286.1); c.2225G>T, p.Gly742Val (NM_001385288.1); c.2234G>T, p.Gly745Val (NM_001385290.1); c.2234G>T (NM_000222.2); short protein forms G740V, G741V, G742V, G744V, G745V, G746V.
Identifiers: ClinVar variation 1062365 (VCV001062365.10), dbSNP rs2109794840, ClinGen allele CA356910816.
Genomic context (GRCh38, chr4:54,731,871, plus strand): 5'-CTTTTCCTTTCCTGACCTTTATGGTTGTAATTGCTAAGAAAAATCCTCTCTTCCTCACAG[G>T]CTCATACATAGAAAGAGATGTGACTCCCGCCATCATGGAGGATGACGAGTTGGCCCTAGA-3'
Protein context (NP_000213.1, residues 735-755): KADKRRSVRI[Gly745Val]SYIERDVTPA

ClinVar aggregate classification (germline): Uncertain significance. Review status: criteria provided, multiple submitters, no conflicts (2 of 4 stars). 2 submissions from 2 submitters: Uncertain significance (2). Last evaluated 2024-07-06.

Conditions:
Hereditary cancer-predisposing syndrome. Also called: Tumor predisposition; Neoplastic Syndromes, Hereditary; Hereditary neoplastic syndrome; Hereditary Cancer Syndrome. Identifiers: Orphanet 140162, MedGen C0027672, MeSH D009386, MONDO:0015356.
Gastrointestinal stromal tumor. Also called: Gastrointestinal stromal tumor, somatic; Gastrointestinal stroma tumor. Identifiers: Orphanet 44890, MedGen C0238198, MeSH D046152, MONDO:0011719, OMIM 606764, HP:0100723.

Submissions (2):

Ambry Genetics
Classification: Uncertain significance for Hereditary cancer-predisposing syndrome. Last evaluated: 2024-07-06. Review status: criteria provided, single submitter. Criteria: Ambry Variant Classification Scheme 2023. Collection method: clinical testing. Allele origin: germline.
Comment: The p.G745V variant (also known as c.2234G>T) is located in coding exon 16 of the KIT gene. The glycine at codon 745 is replaced by valine, an amino acid with dissimilar properties. This change occurs in the first base pair of coding exon 16. This amino acid position is conserved. In addition, the in silico prediction for this alteration is inconclusive. Based on the available evidence, the clinical significance of this variant remains unclear.

Labcorp Genetics (formerly Invitae), Labcorp
Classification: Uncertain significance for Gastrointestinal stromal tumor. Last evaluated: 2020-05-13. Review status: criteria provided, single submitter. Criteria: Invitae Variant Classification Sherloc (09022015). Collection method: clinical testing. Allele origin: germline.
Comment: This variant is not present in population databases (ExAC no frequency). In summary, the available evidence is currently insufficient to determine the role of this variant in disease. Therefore, it has been classified as a Variant of Uncertain Significance. Algorithms developed to predict the effect of missense changes on protein structure and function are either unavailable or do not agree on the potential impact of this missense change (SIFT: "Deleterious"; PolyPhen-2: "Probably Damaging"; Align-GVGD: "Class C15"). This variant has not been reported in the literature in individuals with KIT-related conditions. This sequence change replaces glycine with valine at codon 745 of the KIT protein (p.Gly745Val). The glycine residue is moderately conserved and there is a moderate physicochemical difference between glycine and valine.